The following is an entry in ClinVar:

NC_000006.11:g.(?_66112351)_(66205886_?)del

Gene: EYS (eyes shut homolog; minus strand). Cytogenetic location: 6q12.
Variant type: Deletion.
Identifiers: ClinVar variation 1459849 (VCV001459849.5).

ClinVar aggregate classification (germline): Pathogenic (1 of 4 stars; one submission).

Submission:

Labcorp Genetics (formerly Invitae), Labcorp
Classification: Pathogenic. Last evaluated: 2023-04-11. Review status: criteria provided, single submitter. Criteria: Invitae Variant Classification Sherloc (09022015). Collection method: clinical testing. Allele origin: germline.
Comment: This variant is a gross deletion of the genomic region encompassing exon(s) 3-7 of the EYS gene, which includes the initiator codon. This deletion extends beyond the assayed region for this gene and therefore may encompass additional genes. It is expected to result in an absent or disrupted protein product. Loss-of-function variants in EYS are known to be pathogenic (PMID: 18836446, 20333770). For these reasons, this variant has been classified as Pathogenic. This variant has not been reported in the literature in individuals affected with EYS-related conditions.

Literature cited by the submitters: PubMed 18836446; PubMed 20333770.